The following is an entry in ClinVar:

NM_001267550.2(TTN):c.103057C>T (p.His34353Tyr)

Genes: TTN (titin; minus strand), TTN-AS1 (TTN antisense RNA 1; plus strand). Cytogenetic location: 2q31.2.
Variant type: single nucleotide variant.
Coding change: c.103057C>T on transcript NM_001267550.2 (MANE Select); coding-DNA position 103057, C replaced by T.
Protein change: p.His34353Tyr; replaces histidine 34353 with tyrosine.
Molecular consequence: missense variant.
Genome position (GRCh38, 1-based): chr2:178,533,558, G>A on the plus strand (C>T on the coding strand, the complement: TTN is on the minus strand). VCF-style: chr2-178533558-G-A. GRCh37 (hg19) VCF-style: chr2-179398285-G-A.
Other names: c.98134C>T, p.His32712Tyr (NM_001256850.1); c.75862C>T, p.His25288Tyr (NM_003319.4); c.95353C>T, p.His31785Tyr (NM_133378.4); c.76237C>T, p.His25413Tyr (NM_133432.3); c.76438C>T, p.His25480Tyr (NM_133437.4); short protein forms H25288Y, H25413Y, H25480Y, H31785Y, H32712Y, H34353Y.
Identifiers: ClinVar variation 3751256 (VCV003751256.2).

ClinVar aggregate classification (germline): Uncertain significance (1 of 4 stars; one submission).

Conditions:
Autosomal recessive limb-girdle muscular dystrophy type 2J (LGMDR10). Also called: Limb-girdle muscular dystrophy, type 2J; MUSCULAR DYSTROPHY, LIMB-GIRDLE, AUTOSOMAL RECESSIVE 10. Identifiers: Orphanet 140922, MedGen C1837342, MONDO:0012127, OMIM 608807.
Dilated cardiomyopathy 1G (CMD1G). Identifiers: Orphanet 154, MedGen C1858763, MONDO:0011400, OMIM 604145.

Submission:

Labcorp Genetics (formerly Invitae), Labcorp
Classification: Uncertain significance for Dilated cardiomyopathy 1G; Autosomal recessive limb-girdle muscular dystrophy type 2J. Last evaluated: 2025-03-03. Review status: criteria provided, single submitter. Criteria: Invitae Variant Classification Sherloc (09022015). Collection method: clinical testing. Allele origin: germline.
Comment: This sequence change replaces histidine, which is basic and polar, with tyrosine, which is neutral and polar, at codon 34353 of the TTN protein (p.His34353Tyr). This variant is not present in population databases (gnomAD no frequency). This variant has not been reported in the literature in individuals affected with TTN-related conditions. Experimental studies and prediction algorithms are not available or were not evaluated, and the functional significance of this variant is currently unknown. This variant is located in the M band of TTN (PMID: 25589632). Non-truncating variants in this region may be relevant for neuromuscular disorders, but have not been definitively shown to cause cardiomyopathy (PMID: 23975875). In summary, the available evidence is currently insufficient to determine the role of this variant in disease. Therefore, it has been classified as a Variant of Uncertain Significance.

Literature cited by the submitters: PubMed 25589632; PubMed 23975875.